The following is an entry in ClinVar:

NM_000257.4(MYH7):c.1664A>G (p.Asn555Ser)

Gene: MYH7 (myosin heavy chain 7; minus strand). Cytogenetic location: 14q11.2.
Variant type: single nucleotide variant.
Coding change: c.1664A>G on transcript NM_000257.4 (MANE Select); coding-DNA position 1664, A replaced by G.
Protein change: p.Asn555Ser; replaces asparagine 555 with serine.
Molecular consequence: missense variant.
Genome position (GRCh38, 1-based): chr14:23,427,809, T>C on the plus strand (A>G on the coding strand, the complement: MYH7 is on the minus strand). VCF-style: chr14-23427809-T-C. GRCh37 (hg19) VCF-style: chr14-23897018-T-C.
Other names: c.1664A>G (LRG_384t1); short protein forms N555S.
Identifiers: ClinVar variation 234784 (VCV000234784.4), dbSNP rs876661215, ClinGen allele CA10577507.

ClinVar aggregate classification (germline): Conflicting classifications of pathogenicity. Review status: criteria provided, conflicting classifications (1 of 4 stars). 3 submissions from 3 submitters: Likely pathogenic (1); Uncertain significance (2). Last evaluated 2025-03-19.

Conditions:
MYH7-related disorder. Also called: MYH7-related disorders; MYH7-related condition; MYH7-related disease.
Hypertrophic cardiomyopathy. Also called: HYPERTROPHIC MYOCARDIOPATHY. Identifiers: Orphanet 217569, MedGen C0007194, MeSH D002312, MONDO:0005045, HP:0001639.

Submissions (3):

Labcorp Genetics (formerly Invitae), Labcorp
Classification: Uncertain significance for Hypertrophic cardiomyopathy. Last evaluated: 2025-03-19. Review status: criteria provided, single submitter. Criteria: Invitae Variant Classification Sherloc (09022015). Collection method: clinical testing. Allele origin: germline.
Comment: This sequence change replaces asparagine, which is neutral and polar, with serine, which is neutral and polar, at codon 555 of the MYH7 protein (p.Asn555Ser). This variant is not present in population databases (gnomAD no frequency). This missense change has been observed in individual(s) with clinical features of dilated cardiomyopathy (internal data). ClinVar contains an entry for this variant (Variation ID: 234784). Invitae Evidence Modeling of protein sequence and biophysical properties (such as structural, functional, and spatial information, amino acid conservation, physicochemical variation, residue mobility, and thermodynamic stability) indicates that this missense variant is expected to disrupt MYH7 protein function with a positive predictive value of 95%. In summary, the available evidence is currently insufficient to determine the role of this variant in disease. Therefore, it has been classified as a Variant of Uncertain Significance.

Rady Children's Institute for Genomic Medicine, Rady Children's Hospital San Diego
Classification: Likely pathogenic for MYH7-related disorders. Last evaluated: 2020-07-02. Review status: criteria provided, single submitter. Criteria: ACMG Guidelines, 2015. Collection method: clinical testing. Allele origin: germline. Affected: yes.
Comment: This variant has not been previously reported or functionally characterized in the literature to our knowledge. It is absent from the gnomAD population database and thus is presumed to be rare. The c.1664A>G (p.Asn555Ser) variant is predicted by multiple in silico tools to have a deleterious effect on protein function. Analysis of the parental samples was negative for this variant indicating this variant likely occurred as a de novo event. Based on the available evidence, the c.1664A>G (p.Asn555Ser) variant is classified as Likely Pathogenic.

GeneDx
Classification: Uncertain significance. Last evaluated: 2016-01-25. Review status: criteria provided, single submitter. Criteria: GeneDx Variant Classification (06012015). Collection method: clinical testing. Allele origin: germline. Affected: yes.
Comment: The N555S variant has not been published as a pathogenic variant, nor has it been reported as a benign variant to our knowledge. The N555S variant was not observed in approximately 6,500 individuals of European and African American ancestry in the NHLBI Exome Sequencing Project, indicating it is not a common benign variant in these populations. In silico analysis predicts this variant is probably damaging to the protein structure/function. However, the N555S variant is a conservative amino acid substitution, which is not likely to impact secondary protein structure as these residues share similar properties. This substitution occurs at a position where amino acids with similar properties to Asparagine are tolerated across species.Therefore, based on the currently available information, it is unclear whether this variant is pathogenic or rare benign.